The following is an entry in ClinVar:

NC_000012.11:g.(?_98909646)_(98909944_?)dup

Gene: TMPO (thymopoietin; plus strand). Cytogenetic location: 12q23.1.
Variant type: Duplication.
Identifiers: ClinVar variation 2424665 (VCV002424665.5).

ClinVar aggregate classification (germline): Uncertain significance (1 of 4 stars; one submission).

Conditions:
Loeys-Dietz syndrome 2 (LDS2). Also called: Marfan syndrome, type 2 (formerly); Marfan Syndrome type 2; Marfan like connective tissue disorder; MFS 2; TGFBR2-Related Loeys-Dietz Syndrome; AORTIC ANEURYSM, FAMILIAL THORACIC 3. Identifiers: Orphanet 284973, Orphanet 558, MedGen C2674574, MONDO:0012427, OMIM 610168.

Submission:

Labcorp Genetics (formerly Invitae), Labcorp
Classification: Uncertain significance for Loeys-Dietz syndrome 2. Last evaluated: 2022-04-29. Review status: criteria provided, single submitter. Criteria: Invitae Variant Classification Sherloc (09022015). Collection method: clinical testing. Allele origin: germline.
Comment: This variant results in a copy number gain of the genomic region encompassing exon(s) 1 of the TMPO gene. This region includes the initiator codon of the gene. This copy number gain extends beyond the assayed region for this gene and therefore may encompass additional genes. As the precise location of this event is unknown, it may be in tandem or it may be located elsewhere in the genome. This variant has not been reported in the literature in individuals affected with TMPO-related conditions. In summary, the available evidence is currently insufficient to determine the role of this variant in disease. Therefore, it has been classified as a Variant of Uncertain Significance.